The following is an entry in ClinVar:

ClinVar aggregate classification (germline): Benign. Review status: reviewed by expert panel (3 of 4 stars). 4 submissions from 4 submitters: Benign (1). 3 of the submissions do not count toward it. Last evaluated 2026-04-10.

Conditions:
Genetic non-acquired premature ovarian failure. Identifiers: Orphanet 485382, MedGen C5925042.
Pulmonary arterial hypertension. Identifiers: Orphanet 182090, MedGen C2973725, MeSH D000081029, MONDO:0015924, HP:0002092.
Primary pulmonary hypertension. Also called: Idiopathic pulmonary hypertension. Identifiers: MedGen C0152171.
Pulmonary hypertension, primary, 1 (PPH1). Also called: Pulmonary hypertension, familial primary, 1, with or without HHT. Identifiers: Orphanet 422, MedGen C4552070, MONDO:0024533, OMIM 178600.

Allele frequency attached by ClinVar (database versions not stated): 1000 Genomes Project below 0.00001; gnomAD exomes 0.00005 and 0.00012; gnomAD 0.00007 and 0.00008; TOPMed 0.00007; ExAC 0.00012; 1000 Genomes Project 30x 0.00047.
gnomAD v4.1: 91 of 1,614,186 alleles (0.0056%); highest among the groups gnomAD compares: East Asian, 0.056%; no homozygotes.

Submissions (4):

Clingen Pulmonary Hypertension Variant Curation Expert Panel, ClinGen
Classification: Benign for Pulmonary arterial hypertension. Last evaluated: 2026-04-10. Review status: reviewed by expert panel. Criteria: ClinGen PH ACMG Specifications BMPR2 V2.0.0. Collection method: curation. Allele origin: germline. Inheritance: Autosomal dominant inheritance.
Comment: The c.2618G>A variant (NM_001204.7) in BMPR2 is a missense variant predicted to cause substitution of arginine by glutamine at amino acid 873 (p.Arg873Gln). The highest population minor allele frequency in gnomAD v2.2.1 controls is 0.001595 in Other East Asian, which is higher than the ClinGen Pulmonary Hypertension VCEP threshold (≥0.001) for BS1 but great than the threshold for BA1 (>05%) (BS1 met). This variant was reported to not segregate with pulmonary arterial hypertension in one affected family member from one family (BS4; Internal PH VCEP member contribution). In vitro reporter system assay in mouse embryonic endothelial cells showed that the c.2618 G>A variant activated BRE-Luc (specific reporter gene for Smad1/5 activation) in response to BMP4 treatment in a similar way as the wild-type BMPR2 reporter gene. However the impairment of another function through an alternative signaling pathway of BMPRII could not be excluded (PMID 25429696)(BS3_Supporting). In summary, this variant meets the criteria to be classified as benign for pulmonary arterial hypertension based on the ACMG/AMP criteria applied, as specified by the ClinGen Pulmonary Hypertension VCEP (specification version 2.0, 1/30/2026): BS4, BS1, BS3_Supporting.

Labcorp Genetics (formerly Invitae), Labcorp
Classification: Likely benign for Primary pulmonary hypertension. Last evaluated: 2025-11-06. Review status: criteria provided, single submitter. Criteria: Invitae Variant Classification Sherloc (09022015). Collection method: clinical testing. Allele origin: germline. Not counted in ClinVar's aggregate classification.

Center for Reproductive Medicine, Shandong Provincial Hospital Affiliated to Shandong University
Classification: Likely pathogenic for Genetic non-acquired premature ovarian failure. Last evaluated: 2019-10-01. Review status: no assertion criteria provided. Collection method: research. Allele origin: unknown. Affected: yes. Observed: 1 variant allele. Not counted in ClinVar's aggregate classification.

Rare Disease Genomics Group, St George's University of London
Classification: Uncertain significance for Primary pulmonary hypertension. Review status: no assertion criteria provided. Collection method: literature only. Allele origin: germline. Affected: yes. Not counted in ClinVar's aggregate classification.

Literature cited by the submitters: PubMed 18356561 (cited by Rare Disease Genomics Group, St George's University of London); PubMed 20534176 (cited by Rare Disease Genomics Group, St George's University of London); PubMed 26387786 (cited by Rare Disease Genomics Group, St George's University of London).

NM_001204.7(BMPR2):c.2618G>A (p.Arg873Gln)

Gene: BMPR2 (bone morphogenetic protein receptor type 2; plus strand). Cytogenetic location: 2q33.2.
Variant type: single nucleotide variant.
Coding change: c.2618G>A on transcript NM_001204.7 (MANE Select); coding-DNA position 2618, G replaced by A.
Protein change: p.Arg873Gln; replaces arginine 873 with glutamine.
Molecular consequence: missense variant.
Genome position (GRCh38, 1-based): chr2:202,556,283, G>A. VCF-style: chr2-202556283-G-A. GRCh37 (hg19) VCF-style: chr2-203421006-G-A.
Other names: NM_001204.7(BMPR2):c.2618G>A; p.Arg873Gln; c.2618G>A (LRG_712t1); short protein forms R873Q.
Identifiers: ClinVar variation 425999 (VCV000425999.16), dbSNP rs201781338, ClinGen allele CA2061553.
Genomic context (GRCh38, chr2:202,556,283, plus strand): 5'-GTGAGGACACCCGGCTGAATATTAATTCCAGTCCTGATGAGCATGAGCCTTTACTGAGAC[G>A]AGAGCAACAAGCTGGCCATGATGAAGGTGTTCTGGATCGTCTTGTGGACAGGAGGGAACG-3'
Protein context (NP_001195.2, residues 863-883): SPDEHEPLLR[Arg873Gln]EQQAGHDEGV